The following is an entry in ClinVar:

NM_001366385.1(CARD14):c.1623G>A (p.Gln541=)

Gene: CARD14 (caspase recruitment domain family member 14; plus strand). Cytogenetic location: 17q25.3.
Variant type: single nucleotide variant.
Coding change: c.1623G>A on transcript NM_001366385.1 (MANE Select); coding-DNA position 1623, G replaced by A.
Protein change: p.Gln541=; no amino-acid change (glutamine 541 retained).
Molecular consequence: synonymous variant. On other transcripts: non-coding transcript variant (1).
Genome position (GRCh38, 1-based): chr17:80,198,127, G>A. VCF-style: chr17-80198127-G-A. GRCh37 (hg19) VCF-style: chr17-78171926-G-A.
Other names: c.1623G>A, p.Gln541= (NM_001257970.1, NM_024110.4); c.912G>A, p.Gln304= (NM_052819.3).
Identifiers: ClinVar variation 5039470 (VCV005039470.1).

ClinVar aggregate classification (germline): Likely benign (1 of 4 stars; one submission).

Submission:

CeGaT Center for Human Genetics Tuebingen
Classification: Likely benign. Last evaluated: 2026-07-01. Review status: criteria provided, single submitter. Criteria: CeGaT Center For Human Genetics Tuebingen Variant Classification Criteria Version 2. Collection method: clinical testing. Allele origin: germline. Affected: yes. Observed: 1 variant allele.
Comment: CARD14: PM2:Supporting, BP4, BP7